The following is an entry in ClinVar:

NM_001014987.2(LAT):c.281C>T (p.Thr94Met)

Gene: LAT (linker for activation of T cells; plus strand). Cytogenetic location: 16p11.2.
Variant type: single nucleotide variant.
Coding change: c.281C>T on transcript NM_001014987.2 (MANE Select); coding-DNA position 281, C replaced by T.
Protein change: p.Thr94Met; replaces threonine 94 with methionine.
Molecular consequence: missense variant.
Genome position (GRCh38, 1-based): chr16:28,986,417, C>T. VCF-style: chr16-28986417-C-T. GRCh37 (hg19) VCF-style: chr16-28997738-C-T.
Other names: c.389C>T (NM_001014989.1); c.278C>T, p.Thr93Met (NM_001014988.2); c.389C>T, p.Thr130Met (NM_001014989.2); c.281C>T, p.Thr94Met (NM_014387.4); short protein forms T94M, T130M, T93M.
Identifiers: ClinVar variation 2084974 (VCV002084974.3), dbSNP rs373283173, ClinGen allele CA7989923.

ClinVar aggregate classification (germline): Conflicting classifications of pathogenicity. Review status: criteria provided, conflicting classifications (1 of 4 stars). 2 submissions from 2 submitters: Uncertain significance (1); Likely benign (1). Last evaluated 2025-02-10.

Allele frequency attached by ClinVar (database versions not stated): TOPMed 0.00005; gnomAD 0.00007; ESP Exome Variant Server 0.00008; gnomAD exomes 0.00011; ExAC 0.00019; 1000 Genomes Project 30x 0.00031; 1000 Genomes Project 0.00040.
gnomAD v4.1: 170 of 1,613,916 alleles (0.011%); highest among the groups gnomAD compares: South Asian, 0.11%; 1 homozygote.

Submissions (2):

Labcorp Genetics (formerly Invitae), Labcorp
Classification: Uncertain significance. Last evaluated: 2025-02-10. Review status: criteria provided, single submitter. Criteria: Invitae Variant Classification Sherloc (09022015). Collection method: clinical testing. Allele origin: germline.
Comment: This sequence change replaces threonine, which is neutral and polar, with methionine, which is neutral and non-polar, at codon 94 of the LAT protein (p.Thr94Met). This variant is present in population databases (rs373283173, gnomAD 0.1%). This variant has not been reported in the literature in individuals affected with LAT-related conditions. ClinVar contains an entry for this variant (Variation ID: 2084974). An algorithm developed to predict the effect of missense changes on protein structure and function outputs the following: PolyPhen-2: "Benign". The methionine amino acid residue is found in multiple mammalian species, which suggests that this missense change does not adversely affect protein function. In summary, the available evidence is currently insufficient to determine the role of this variant in disease. Therefore, it has been classified as a Variant of Uncertain Significance.

Ambry Genetics
Classification: Likely benign. Last evaluated: 2023-12-28. Review status: criteria provided, single submitter. Criteria: Ambry Variant Classification Scheme 2023. Collection method: clinical testing. Allele origin: germline.